The following is an entry in ClinVar:

ClinVar aggregate classification (germline): Uncertain significance (1 of 4 stars; one submission).

Conditions:
Early-infantile DEE. Also called: Early infantile epileptic encephalopathy with suppression bursts; Ohtahara syndrome; Early infantile epileptic encephalopathy. Identifiers: Orphanet 1934, MedGen C0393706, MONDO:0800491.

Submission:

Labcorp Genetics (formerly Invitae), Labcorp
Classification: Uncertain significance for Early-infantile DEE. Last evaluated: 2020-03-20. Review status: criteria provided, single submitter. Criteria: Invitae Variant Classification Sherloc (09022015). Collection method: clinical testing. Allele origin: germline.
Comment: This sequence change replaces lysine with glutamine at codon 1313 of the SCN1A protein (p.Lys1313Gln). The lysine residue is highly conserved and there is a small physicochemical difference between lysine and glutamine. This variant is not present in population databases (ExAC no frequency). This variant has not been reported in the literature in individuals with SCN1A-related conditions. Algorithms developed to predict the effect of missense changes on protein structure and function (SIFT, PolyPhen-2, Align-GVGD) all suggest that this variant is likely to be disruptive, but these predictions have not been confirmed by published functional studies and their clinical significance is uncertain. In summary, the available evidence is currently insufficient to determine the role of this variant in disease. Therefore, it has been classified as a Variant of Uncertain Significance.

NM_001165963.4(SCN1A):c.3937A>C (p.Lys1313Gln)

Genes: SCN1A (sodium voltage-gated channel alpha subunit 1; minus strand), LOC102724058 (uncharacterized LOC102724058; plus strand). Cytogenetic location: 2q24.3.
Variant type: single nucleotide variant.
Coding change: c.3937A>C on transcript NM_001165963.4 (MANE Select); coding-DNA position 3937, A replaced by C.
Protein change: p.Lys1313Gln; replaces lysine 1313 with glutamine.
Molecular consequence: missense variant. On other transcripts: non-coding transcript variant (1).
Genome position (GRCh38, 1-based): chr2:166,009,784, T>G on the plus strand (A>C on the coding strand, the complement: SCN1A is on the minus strand). VCF-style: chr2-166009784-T-G. GRCh37 (hg19) VCF-style: chr2-166866294-T-G.
Other names: c.3853A>C, p.Lys1285Gln (NM_001165964.3, NM_001353957.2, NM_001353958.2); c.3937A>C, p.Lys1313Gln (NM_001202435.3, NM_001353948.2); c.3904A>C, p.Lys1302Gln (NM_001353949.2, NM_001353950.2, NM_001353951.2 and 2 more transcripts); c.3901A>C, p.Lys1301Gln (NM_001353954.2, NM_001353955.2); c.3850A>C, p.Lys1284Gln (NM_001353960.2); c.1495A>C, p.Lys499Gln (NM_001353961.2); short protein forms K1302Q, K1285Q, K1313Q, K1284Q, K1301Q, K499Q.
Identifiers: ClinVar variation 69407 (VCV000069407.9), dbSNP rs150017890, ClinGen allele CA59772659.
Genomic context (GRCh38, chr2:166,009,784, plus strand): 5'-TCCCTTCAAATCGAGATAAGGCTCTTAGAGGTCTCAGAGCTCTTAGTGTCCTGAGAGATT[T>G]GATGGCTCCAAGTTCTGAGTAACCCAAGGCATTTGCTGTTAAACTGACCAATGAAACCTG-3'
Protein context (NP_001159435.1, residues 1303-1323): ALGYSELGAI[Lys1313Gln]SLRTLRALRP